The following is an entry in ClinVar:

ClinVar aggregate classification (germline): Uncertain significance (1 of 4 stars; one submission).

Conditions:
Autosomal dominant pseudohypoaldosteronism type 1. Also called: PHA I, AUTOSOMAL DOMINANT; Pseudohypoaldosteronism, Type I, Autosomal Dominant; Pseudohypoaldosteronism, Type I, Dominant. Identifiers: Orphanet 171871, Orphanet 756, MedGen C1449842, MONDO:0008329, OMIM 177735.

Submission:

Illumina Laboratory Services, Illumina
Classification: Uncertain significance for Autosomal dominant pseudohypoaldosteronism type 1. Last evaluated: 2019-05-15. Review status: criteria provided, single submitter. Criteria: ICSLVariantClassificationCriteria RUGD 01 April 2020. Collection method: clinical testing. Allele origin: unknown.
Comment: The NR3C2 c.2840G>C (p.Arg947Pro) variant is a missense variant. A literature search was performed for the gene, cDNA change, and amino acid change. No publications were found based on this search. The p.Arg947Pro variant is not found in the Genome Aggregation Database in a region of good sequence coverage, so the variant is presumed to be rare. The p.Arg947Pro variant is present in the ligand binding domain of the protein, which extends from amino acids 726 to 964 (Tajima et al. 2017). Several disease-causing loss of function and missense variants have been reported in this domain, including a stop-gained variant at the same residue, which has been reported in four unrelated families with different haplotypes (Riepe et al. 2004; Fernandes-Rosa et al. 2006). However, a few missense variants in the ligand binding domain are also present in frequency databases or reported as clinically insignificant in ClinVar. The Arg947Pro change is predicted to be damaging or deleterious by several in-silico prediction tools but this has not been evaluated experimentally. Based on the collective evidence, the p.Arg947Pro variant is classified as a variant of uncertain significance for autosomal dominant pseudohypoaldosteronism type 1.

Literature cited by the submitters: PubMed 15126534; PubMed 16757525; PubMed 28804203.

NM_000901.5(NR3C2):c.2840G>C (p.Arg947Pro)

Gene: NR3C2 (nuclear receptor subfamily 3 group C member 2; minus strand). Cytogenetic location: 4q31.23.
Variant type: single nucleotide variant.
Coding change: c.2840G>C on transcript NM_000901.5 (MANE Select); coding-DNA position 2840, G replaced by C.
Protein change: p.Arg947Pro; replaces arginine 947 with proline.
Molecular consequence: missense variant. On other transcripts: non-coding transcript variant (1).
Genome position (GRCh38, 1-based): chr4:148,081,459, C>G on the plus strand (G>C on the coding strand, the complement: NR3C2 is on the minus strand). VCF-style: chr4-148081459-C-G. GRCh37 (hg19) VCF-style: chr4-149002610-C-G.
Other names: c.2489G>C, p.Arg830Pro (NM_001166104.2, NM_001354819.1); short protein forms R830P, R947P.
Identifiers: ClinVar variation 989337 (VCV000989337.4), dbSNP rs1730554872, ClinGen allele CA358425680.